The following is an entry in ClinVar:

ClinVar aggregate classification (germline): Uncertain significance. Review status: criteria provided, multiple submitters, no conflicts (2 of 4 stars). 6 submissions from 6 submitters: Uncertain significance (6). Last evaluated 2026-01-17.

Conditions:
FANCM-related disorder. Also called: FANCM-related condition.
Spermatogenic failure 28. Identifiers: MedGen C4748117, MONDO:0054732, OMIM 618086.
Premature ovarian failure 15. Identifiers: MedGen C4748170, MONDO:0054862, OMIM 618096.
Fanconi anemia (FA). Also called: Fanconi's anemia. Identifiers: Orphanet 84, MedGen C0015625, MeSH D005199, MONDO:0019391.

Allele frequency attached by ClinVar (database versions not stated): ExAC 0.00003; gnomAD 0.00003 and 0.00004; gnomAD exomes 0.00003; TOPMed 0.00005.
gnomAD v4.1: 28 of 1,590,754 alleles (0.0018%); highest among the groups gnomAD compares: Middle Eastern, 0.018%; no homozygotes.

Submissions (6):

Labcorp Genetics (formerly Invitae), Labcorp
Classification: Uncertain significance for Fanconi anemia. Last evaluated: 2026-01-17. Review status: criteria provided, single submitter. Criteria: Invitae Variant Classification Sherloc (09022015). Collection method: clinical testing. Allele origin: germline.
Comment: This sequence change replaces arginine, which is basic and polar, with tryptophan, which is neutral and slightly polar, at codon 398 of the FANCM protein (p.Arg398Trp). This variant is present in population databases (rs752364451, gnomAD 0.006%). This missense change has been observed in individual(s) with FANCM-related conditions (PMID: 35413094). This variant is also known as c.C1114T, p.R372W. ClinVar contains an entry for this variant (Variation ID: 456249). An algorithm developed to predict the effect of missense changes on protein structure and function (PolyPhen-2) suggests that this variant is likely to be disruptive. In summary, the available evidence is currently insufficient to determine the role of this variant in disease. Therefore, it has been classified as a Variant of Uncertain Significance.

PreventionGenetics, part of Exact Sciences
Classification: Uncertain significance for FANCM-related condition. Last evaluated: 2025-01-17. Review status: criteria provided, single submitter. Criteria: ACMG Guidelines, 2015. Collection method: clinical testing. Allele origin: germline.
Comment: The FANCM c.1192C>T variant is predicted to result in the amino acid substitution p.Arg398Trp. This variant has been reported with other variants in an individual with non-obstructive azoospermia (Described as R372W, Ghieh et al. 2022. PubMed ID: 35413094). This variant is reported in 0.0057% of alleles in individuals of Latino descent in gnomAD. At this time, the clinical significance of this variant is uncertain due to the absence of conclusive functional and genetic evidence.

Quest Diagnostics Nichols Institute San Juan Capistrano
Classification: Uncertain significance. Last evaluated: 2025-01-03. Review status: criteria provided, single submitter. Criteria: Quest Diagnostics criteria. Collection method: clinical testing. Allele origin: unknown.
Comment: The FANCM c.1192C>T (p.Arg398Trp) variant has been reported in the published literature in individuals with ovarian cancer (PMID: 28881617 (2017)), breast cancer (PMID: 33471991 (2021), see also LOVD), and azoospermia (PMID: 35413094 (2022)). This variant has also been identified in reportedly healthy individuals (PMID: 33471991 (2021), see also LOVD). The frequency of this variant in the general population (Genome Aggregation Database) is uninformative in the assessment of its pathogenicity. Analysis of this variant using bioinformatics tools for the prediction of the effect of amino acid changes on protein structure and function yielded conflicting predictions that this variant is deleterious or benign. Based on the available information, we are unable to determine the clinical significance of this variant.

GeneDx
Classification: Uncertain significance. Last evaluated: 2024-10-22. Review status: criteria provided, single submitter. Criteria: GeneDx Variant Classification Process June 2021. Collection method: clinical testing. Allele origin: germline. Affected: yes.
Comment: Not observed at significant frequency in large population cohorts (gnomAD); In silico analysis supports that this missense variant has a deleterious effect on protein structure/function; Observed in individual(s) with ovarian cancer (PMID: 28881617); This variant is associated with the following publications: (PMID: 35413094, 28881617)

Fulgent Genetics
Classification: Uncertain significance for Spermatogenic failure 28; Premature ovarian failure 15. Last evaluated: 2021-11-02. Review status: criteria provided, single submitter. Criteria: ACMG Guidelines, 2015. Collection method: clinical testing. Allele origin: unknown.

Baylor Genetics
Classification: Uncertain significance for Spermatogenic failure 28. Last evaluated: 2019-09-10. Review status: criteria provided, single submitter. Criteria: ACMG Guidelines, 2015. Collection method: clinical testing. Allele origin: unknown. Affected: yes. Study: CSER-TexasKidsCanSeq.
Comment: This variant was determined to be of uncertain significance according to ACMG Guidelines, 2015 [PMID:25741868].

Literature cited by the submitters: PubMed 35413094 (cited by Labcorp Genetics (formerly Invitae), Labcorp and Quest Diagnostics Nichols Institute San Juan Capistrano); PubMed 28881617 (cited by Quest Diagnostics Nichols Institute San Juan Capistrano); PubMed 33471991 (cited by Quest Diagnostics Nichols Institute San Juan Capistrano).

NM_020937.4(FANCM):c.1192C>T (p.Arg398Trp)

Gene: FANCM (FA complementation group M; plus strand). Cytogenetic location: 14q21.2.
Variant type: single nucleotide variant.
Coding change: c.1192C>T on transcript NM_020937.4 (MANE Select); coding-DNA position 1192, C replaced by T.
Protein change: p.Arg398Trp; replaces arginine 398 with tryptophan.
Molecular consequence: missense variant.
Genome position (GRCh38, 1-based): chr14:45,154,705, C>T. VCF-style: chr14-45154705-C-T. GRCh37 (hg19) VCF-style: chr14-45623908-C-T.
Other names: c.1114C>T, p.Arg372Trp (NM_001308133.2); c.1192C>T, p.Arg398Trp (NM_001308134.2); short protein forms R398W, R372W.
Identifiers: ClinVar variation 456249 (VCV000456249.21), dbSNP rs752364451, ClinGen allele CA7168968.